The following is an entry in ClinVar:

NM_014889.4(PITRM1):c.2604A>C (p.Glu868Asp)

Genes: PITRM1 (pitrilysin metallopeptidase 1; minus strand), PITRM1-AS1 (PITRM1 antisense RNA 1; plus strand). Cytogenetic location: 10p15.2.
Variant type: single nucleotide variant.
Coding change: c.2604A>C on transcript NM_014889.4 (MANE Select); coding-DNA position 2604, A replaced by C.
Protein change: p.Glu868Asp; replaces glutamic acid 868 with aspartic acid.
Molecular consequence: missense variant. On other transcripts: non-coding transcript variant (4).
Genome position (GRCh38, 1-based): chr10:3,143,430, T>G on the plus strand (A>C on the coding strand, the complement: PITRM1 is on the minus strand). VCF-style: chr10-3143430-T-G. GRCh37 (hg19) VCF-style: chr10-3185622-T-G.
Other names: c.2607A>C, p.Glu869Asp (NM_001242307.2); c.2310A>C, p.Glu770Asp (NM_001242309.1); c.2406A>C, p.Glu802Asp (NM_001347725.2); c.1791A>C, p.Glu597Asp (NM_001347726.2); c.1989A>C, p.Glu663Asp (NM_001347727.2); c.1299A>C, p.Glu433Asp (NM_001347728.2); c.2580A>C, p.Glu860Asp (NM_001347729.1); c.2382A>C, p.Glu794Asp (NM_001347730.1); short protein forms E433D, E597D, E869D, E663D, E860D, E770D, E794D, E802D.
Identifiers: ClinVar variation 2085793 (VCV002085793.25), dbSNP rs201711669, ClinGen allele CA5387324.
Genomic context (GRCh38, chr10:3,143,430, plus strand): 5'-CCGACCTACACCCTCCTACCTGGCATGATCTGGGTCCGTGTAGGGGACAGTTCGGATGCA[T>G]TCACCCACGTAATTCACCGGGAAGGGCATCAGGAAGTGAGTCTTCATCTGCCAGGGCTTG-3'
Protein context (NP_055704.2, residues 858-878): LMPFPVNYVG[Glu868Asp]CIRTVPYTDP

ClinVar aggregate classification (germline): Conflicting classifications of pathogenicity. Review status: criteria provided, conflicting classifications (1 of 4 stars). 4 submissions from 4 submitters: Uncertain significance (3); Likely benign (1). Last evaluated 2026-08-01.

Allele frequency attached by ClinVar (database versions not stated): gnomAD 0.00069; ExAC 0.00017; gnomAD exomes 0.00031; ESP Exome Variant Server 0.00040; TOPMed 0.00050.
gnomAD v4.1: 564 of 1,613,582 alleles (0.035%); highest among the groups gnomAD compares: Admixed American, 0.18%; 4 homozygotes.

Submissions (4):

CeGaT Center for Human Genetics Tuebingen
Classification: Likely benign. Last evaluated: 2026-08-01. Review status: criteria provided, single submitter. Criteria: CeGaT Center For Human Genetics Tuebingen Variant Classification Criteria Version 2. Collection method: clinical testing. Allele origin: germline. Affected: yes. Observed: 2 variant alleles.
Comment: PITRM1: BP4, BS2

Blueprint Genetics
Classification: Uncertain significance. Last evaluated: 2024-11-05. Review status: criteria provided, single submitter. Criteria: ACMG Guidelines, 2015. Collection method: clinical testing. Allele origin: germline.

Labcorp Genetics (formerly Invitae), Labcorp
Classification: Uncertain significance. Last evaluated: 2022-05-30. Review status: criteria provided, single submitter. Criteria: Invitae Variant Classification Sherloc (09022015). Collection method: clinical testing. Allele origin: germline.
Comment: This sequence change replaces glutamic acid, which is acidic and polar, with aspartic acid, which is acidic and polar, at codon 770 of the PITRM1 protein (p.Glu770Asp). This variant is present in population databases (rs201711669, gnomAD 0.1%). This variant has not been reported in the literature in individuals affected with PITRM1-related conditions. Algorithms developed to predict the effect of missense changes on protein structure and function output the following: SIFT: "Tolerated"; PolyPhen-2: "Benign"; Align-GVGD: "Class C0". The aspartic acid amino acid residue is found in multiple mammalian species, which suggests that this missense change does not adversely affect protein function. In summary, the available evidence is currently insufficient to determine the role of this variant in disease. Therefore, it has been classified as a Variant of Uncertain Significance.

Ambry Genetics
Classification: Uncertain significance. Last evaluated: 2021-06-21. Review status: criteria provided, single submitter. Criteria: Ambry Variant Classification Scheme 2023. Collection method: clinical testing. Allele origin: germline.